The following is an entry in ClinVar:

ClinVar aggregate classification (germline): Conflicting classifications of pathogenicity. Review status: criteria provided, conflicting classifications (1 of 4 stars). 3 submissions from 3 submitters: Uncertain significance (2); Likely benign (1). Last evaluated 2026-03-04.

Conditions:
MAGEL2-related disorder. Also called: MAGEL2-related condition.

Submissions (3):

PreventionGenetics, part of Exact Sciences
Classification: Uncertain significance for MAGEL2-related condition. Last evaluated: 2026-03-04. Review status: criteria provided, single submitter. Criteria: ACMG Guidelines, 2015. Collection method: clinical testing. Allele origin: germline.
Comment: The MAGEL2 c.3621A>G variant is not predicted to result in an amino acid change (p.=). This variant is not predicted to alter splicing based on available splicing prediction programs (SpliceAI, Jaganathan et al. 2019. PubMed ID: 30661751). However, the use of computer prediction programs is not equivalent to functional evidence. To our knowledge, this variant has not been reported in the literature. This variant is reported in 0.00088% of alleles in individuals of European (Non-Finnish) descent in gnomAD. At this time, the clinical significance of this variant is uncertain due to the absence of conclusive functional and genetic evidence.

Labcorp Genetics (formerly Invitae), Labcorp
Classification: Uncertain significance. Last evaluated: 2025-11-27. Review status: criteria provided, single submitter. Criteria: Invitae Variant Classification Sherloc (09022015). Collection method: clinical testing. Allele origin: germline.
Comment: This sequence change affects codon 1207 of the MAGEL2 mRNA. It is a 'silent' change, meaning that it does not change the encoded amino acid sequence of the MAGEL2 protein. This variant is present in population databases (rs765605070, gnomAD 0.0009%). This variant has not been reported in the literature in individuals affected with MAGEL2-related conditions. In summary, the available evidence is currently insufficient to determine the role of this variant in disease. Therefore, it has been classified as a Variant of Uncertain Significance.

Blueprint Genetics
Classification: Likely benign. Last evaluated: 2023-09-14. Review status: criteria provided, single submitter. Criteria: ACMG Guidelines, 2015. Collection method: clinical testing. Allele origin: germline.

NM_019066.5(MAGEL2):c.3621A>G (p.Lys1207=)

Gene: MAGEL2 (MAGE family member L2; minus strand). Cytogenetic location: 15q11.2.
Variant type: single nucleotide variant.
Coding change: c.3621A>G on transcript NM_019066.5 (MANE Select); coding-DNA position 3621, A replaced by G.
Protein change: p.Lys1207=; no amino-acid change (lysine 1207 retained).
Molecular consequence: synonymous variant.
Genome position (GRCh38, 1-based): chr15:23,644,122, T>C on the plus strand (A>G on the coding strand, the complement: MAGEL2 is on the minus strand). VCF-style: chr15-23644122-T-C. GRCh37 (hg19) VCF-style: chr15-23889269-T-C.
Other names: c.3621A>G (NM_019066.4).
Identifiers: ClinVar variation 4764034 (VCV004764034.3).